The following is an entry in ClinVar:

NM_006648.4(WNK2):c.2455G>T (p.Asp819Tyr)

Gene: WNK2 (WNK lysine deficient protein kinase 2; plus strand). Cytogenetic location: 9q22.31.
Variant type: single nucleotide variant.
Coding change: c.2455G>T on transcript NM_006648.4 (MANE Select); coding-DNA position 2455, G replaced by T.
Protein change: p.Asp819Tyr; replaces aspartic acid 819 with tyrosine.
Molecular consequence: missense variant.
Genome position (GRCh38, 1-based): chr9:93,259,003, G>T. VCF-style: chr9-93259003-G-T. GRCh37 (hg19) VCF-style: chr9-96021285-G-T.
Other names: c.2455G>T, p.Asp819Tyr (NM_001282394.3); short protein forms D819Y.
Identifiers: ClinVar variation 4201672 (VCV004201672.1).
Genomic context (GRCh38, chr9:93,259,003, plus strand): 5'-CCTGTTGTGCCCCCCATCACGCCCCTGGCGGGAATCGACGGCCTCCCTCCGGCCCTCCCA[G>T]ACCTGCCGACCGCGACTGTGCCTCCCGTGCCACCACCTCAGTATTTCTCTCCAGCCGTGA-3'
Protein context (NP_006639.3, residues 809-829): GIDGLPPALP[Asp819Tyr]LPTATVPPVP

ClinVar aggregate classification (germline): Uncertain significance (1 of 4 stars; one submission).

Submission:

Ambry Genetics
Classification: Uncertain significance. Last evaluated: 2025-07-28. Review status: criteria provided, single submitter. Criteria: Ambry Variant Classification Scheme 2023. Collection method: clinical testing. Allele origin: germline.
Comment: The p.D819Y variant (also known as c.2455G>T), located in coding exon 11 of the WNK2 gene, results from a G to T substitution at nucleotide position 2455. The aspartic acid at codon 819 is replaced by tyrosine, an amino acid with highly dissimilar properties. This amino acid position is conserved. In addition, the in silico prediction for this alteration is inconclusive. Based on the available evidence, the clinical significance of this variant remains unclear.